The following is an entry in ClinVar:

NM_177438.3(DICER1):c.2858A>T (p.Asp953Val)

Gene: DICER1 (dicer 1, ribonuclease III; minus strand). Cytogenetic location: 14q32.13.
Variant type: single nucleotide variant.
Coding change: c.2858A>T on transcript NM_177438.3 (MANE Select); coding-DNA position 2858, A replaced by T.
Protein change: p.Asp953Val; replaces aspartic acid 953 with valine.
Molecular consequence: missense variant. On other transcripts: non-coding transcript variant (6).
Genome position (GRCh38, 1-based): chr14:95,106,170, T>A on the plus strand (A>T on the coding strand, the complement: DICER1 is on the minus strand). VCF-style: chr14-95106170-T-A. GRCh37 (hg19) VCF-style: chr14-95572507-T-A.
Other names: c.2858A>T, p.Asp953Val (NM_001195573.1, NM_001271282.3, NM_001291628.2 and 12 more transcripts); c.2576A>T, p.Asp859Val (NM_001395686.1); c.2453A>T, p.Asp818Val (NM_001395687.1, NM_001395688.1, NM_001395689.1 and 2 more transcripts); c.2291A>T, p.Asp764Val (NM_001395691.1); c.1175A>T, p.Asp392Val (NM_001395697.1); short protein forms D392V, D764V, D818V, D859V, D953V.
Identifiers: ClinVar variation 4533172 (VCV004533172.1).

ClinVar aggregate classification (germline): Uncertain significance (1 of 4 stars; one submission).

Submission:

Quest Diagnostics Nichols Institute San Juan Capistrano
Classification: Uncertain significance. Last evaluated: 2025-02-05. Review status: criteria provided, single submitter. Criteria: Quest Diagnostics criteria. Collection method: clinical testing. Allele origin: unknown.
Comment: The DICER1 c.2858A>T (p.Asp953Val) variant has not been reported in individuals with DICER1-related conditions in the published literature. It also has not been reported in large, multi-ethnic general populations (Genome Aggregation Database). Analysis of this variant using bioinformatics tools for the prediction of the effect of amino acid changes on protein structure and function yielded predictions that this variant is damaging. Based on the available information, we are unable to determine the clinical significance of this variant.